The following is an entry in ClinVar:

NM_001145715.3(KPNA7):c.360G>A (p.Glu120=)

Gene: KPNA7 (karyopherin subunit alpha 7; minus strand). Cytogenetic location: 7q22.1.
Variant type: single nucleotide variant.
Coding change: c.360G>A on transcript NM_001145715.3 (MANE Select); coding-DNA position 360, G replaced by A.
Protein change: p.Glu120=; no amino-acid change (glutamic acid 120 retained).
Molecular consequence: synonymous variant.
Genome position (GRCh38, 1-based): chr7:99,195,263, C>T on the plus strand (G>A on the coding strand, the complement: KPNA7 is on the minus strand). VCF-style: chr7-99195263-C-T. GRCh37 (hg19) VCF-style: chr7-98792886-C-T.
Other names: c.360G>A (NM_001145715.2).
Identifiers: ClinVar variation 415827 (VCV000415827.14), dbSNP rs367610693, ClinGen allele CA4363260.

ClinVar aggregate classification (germline): Likely benign. Review status: criteria provided, single submitter (1 of 4 stars). 2 submissions from 2 submitters: Likely benign (1). 1 of the submissions does not count toward it. Last evaluated 2026-01-25.

Conditions:
KPNA7-related disorder. Also called: KPNA7-related condition.

Allele frequency attached by ClinVar (database versions not stated): gnomAD exomes 0.00012 and 0.00019; ExAC 0.00035; gnomAD 0.00133 and 0.00144; TOPMed 0.00146; ESP Exome Variant Server 0.00153; 1000 Genomes Project 0.00160; 1000 Genomes Project 30x 0.00203.
gnomAD v4.1: 370 of 1,551,646 alleles (0.024%); highest among the groups gnomAD compares: African/African-American, 0.48%; 1 homozygote.

Submissions (2):

Labcorp Genetics (formerly Invitae), Labcorp
Classification: Likely benign. Last evaluated: 2026-01-25. Review status: criteria provided, single submitter. Criteria: Invitae Variant Classification Sherloc (09022015). Collection method: clinical testing. Allele origin: germline.

PreventionGenetics, part of Exact Sciences
Classification: Likely benign for KPNA7-related condition. Last evaluated: 2021-06-18. Review status: no assertion criteria provided. Collection method: clinical testing. Allele origin: germline. Not counted in ClinVar's aggregate classification.
Comment: This variant is classified as likely benign based on ACMG/AMP sequence variant interpretation guidelines (Richards et al. 2015 PMID: 25741868, with internal and published modifications).